The following is an entry in ClinVar:

NM_031407.7(HUWE1):c.3433G>A (p.Glu1145Lys)

Gene: HUWE1 (HECT, UBA and WWE domain containing E3 ubiquitin protein ligase 1; minus strand). Cytogenetic location: Xp11.22.
Variant type: single nucleotide variant.
Coding change: c.3433G>A on transcript NM_031407.7 (MANE Select); coding-DNA position 3433, G replaced by A.
Protein change: p.Glu1145Lys; replaces glutamic acid 1145 with lysine.
Molecular consequence: missense variant.
Genome position (GRCh38, 1-based): chrX:53,594,569, C>T on the plus strand (G>A on the coding strand, the complement: HUWE1 is on the minus strand). VCF-style: chrX-53594569-C-T. GRCh37 (hg19) VCF-style: chrX-53621529-C-T.
Other names: short protein forms E1145K.
Identifiers: ClinVar variation 3900543 (VCV003900543.1).

ClinVar aggregate classification (germline): Uncertain significance (1 of 4 stars; one submission).

Submission:

GeneDx
Classification: Uncertain significance. Last evaluated: 2024-11-20. Review status: criteria provided, single submitter. Criteria: GeneDx Variant Classification Process June 2021. Collection method: clinical testing. Allele origin: germline. Affected: yes.
Comment: Not observed at significant frequency in large population cohorts (gnomAD); In silico analysis supports that this missense variant has a deleterious effect on protein structure/function; Has not been previously published as pathogenic or benign to our knowledge